The following is an entry in ClinVar:

NM_001164665.2(KIAA1549):c.2371A>G (p.Thr791Ala)

Gene: KIAA1549 (KIAA1549; minus strand). Cytogenetic location: 7q34.
Variant type: single nucleotide variant.
Coding change: c.2371A>G on transcript NM_001164665.2 (MANE Select); coding-DNA position 2371, A replaced by G.
Protein change: p.Thr791Ala; replaces threonine 791 with alanine.
Molecular consequence: missense variant.
Genome position (GRCh38, 1-based): chr7:138,917,255, T>C on the plus strand (A>G on the coding strand, the complement: KIAA1549 is on the minus strand). VCF-style: chr7-138917255-T-C. GRCh37 (hg19) VCF-style: chr7-138602001-T-C.
Other names: c.2371A>G, p.Thr791Ala (NM_020910.3); short protein forms T791A.
Identifiers: ClinVar variation 1424564 (VCV001424564.8), dbSNP rs751606674, ClinGen allele CA4506525.
Genomic context (GRCh38, chr7:138,917,255, plus strand): 5'-GAGGTGTCAGAGTTGAGAACAAAGAAGACTCAGTTAAAATGGGCGTTGTGTGGACAGTGG[T>C]CAATGGTGATGTTGCTTGAATCCCGGCAGTCAAAATGTCAAAAGACTCAGAGCCGGGGGG-3'
Protein context (NP_001158137.1, residues 781-801): TAGIQATSPL[Thr791Ala]TVHTTPILTE

ClinVar aggregate classification (germline): Uncertain significance (1 of 4 stars; one submission).

Allele frequency attached by ClinVar (database versions not stated): TOPMed below 0.00001; ExAC 0.00001; gnomAD exomes 0.00001.
gnomAD v4.1: 3 of 1,613,794 alleles (0.00019%); highest among the groups gnomAD compares: African/African-American, 0.0013%; no homozygotes.

Submission:

Labcorp Genetics (formerly Invitae), Labcorp
Classification: Uncertain significance. Last evaluated: 2023-08-10. Review status: criteria provided, single submitter. Criteria: Invitae Variant Classification Sherloc (09022015). Collection method: clinical testing. Allele origin: germline.
Comment: Algorithms developed to predict the effect of missense changes on protein structure and function output the following: SIFT: "Not Available"; PolyPhen-2: "Benign"; Align-GVGD: "Not Available". The alanine amino acid residue is found in multiple mammalian species, which suggests that this missense change does not adversely affect protein function. ClinVar contains an entry for this variant (Variation ID: 1424564). This variant has not been reported in the literature in individuals affected with KIAA1549-related conditions. This variant is present in population databases (rs751606674, gnomAD 0.01%). This sequence change replaces threonine, which is neutral and polar, with alanine, which is neutral and non-polar, at codon 791 of the KIAA1549 protein (p.Thr791Ala). In summary, the available evidence is currently insufficient to determine the role of this variant in disease. Therefore, it has been classified as a Variant of Uncertain Significance.